The following is an entry in ClinVar:

NM_000518.5(HBB):c.-74_31del

Genes: HBB (hemoglobin subunit beta; minus strand), LOC106099062 (HBB recombination region; plus strand), LOC107133510 (origin of replication at HBB; plus strand). Cytogenetic location: 11p15.4.
Variant type: Deletion.
Coding change: c.-74_31del on transcript NM_000518.5 (MANE Select); 74 bases upstream of the start codon through coding-DNA position 31, 105 bases deleted.
Genome position (GRCh38, 1-based): chr11:5,226,991-5,227,095, 105 bases deleted. GRCh37 (hg19): chr11:5,248,222-5,248,326.
Other names: 105 bp deletion.
Identifiers: ClinVar variation 869253 (VCV000869253.1), dbSNP rs1847587051, ClinGen allele CA916083219.

ClinVar aggregate classification (germline): Pathogenic. Review status: criteria provided, single submitter (1 of 4 stars). 2 submissions from 2 submitters: Pathogenic (1). 1 of the submissions does not count toward it. Last evaluated 2025-08-04.

Conditions:
beta Thalassemia (BTHAL). Also called: Cooley's anemia; Erythroblastic anemia; Mediterranean anemia. Identifiers: Orphanet 848, MedGen C0005283, MONDO:0019402. Disease mechanism: loss of function.

Submissions (2):

Natera, Inc.
Classification: Pathogenic for Beta thalassemia. Last evaluated: 2025-08-04. Review status: criteria provided, single submitter. Criteria: Natera Variant Classification Schema (03/2026). Collection method: clinical testing. Allele origin: germline.
Comment: The c.-74_31del variant in HBB is predicted to result in start loss due to disruption of the initiator methionine. This variant is expected to result in nonsense mediated decay, truncation, or a dysfunctional protein product. This variant is rare in the general population with a frequency below the threshold expected for the associated phenotype(s). This variant has been observed in one or more individuals affected with the associated recessive disease, as either homozygous or compound heterozygous with a second variant (PMID: 10331503). Given the available evidence, this variant is classified as Pathogenic.

The ITHANET community portal, The Cyprus Institute of Neurology and Genetics
Classification: Pathogenic for beta Thalassemia. Last evaluated: 2019-11-25. Review status: no assertion criteria provided. Collection method: curation. Allele origin: germline. Not counted in ClinVar's aggregate classification.

Literature cited by the submitters: PubMed 10331503 (cited by Natera, Inc.); PubMed 8629112 (cited by The ITHANET community portal, The Cyprus Institute of Neurology and Genetics).